The following is an entry in ClinVar:

ClinVar aggregate classification (germline): Likely pathogenic (1 of 4 stars; one submission).

Conditions:
Carnitine acylcarnitine translocase deficiency (CACTD). Identifiers: Orphanet 159, MedGen C0342791, MONDO:0008918, OMIM 212138.

Submission:

Women's Health and Genetics/Laboratory Corporation of America, LabCorp
Classification: Likely pathogenic for Carnitine acylcarnitine translocase deficiency. Last evaluated: 2022-12-19. Review status: criteria provided, single submitter. Criteria: LabCorp Variant Classification Summary - May 2015. Collection method: clinical testing. Allele origin: germline.
Comment: Variant summary: SLC25A20 c.575G>A (p.Trp192X) results in a premature termination codon, predicted to cause a truncation of the encoded protein or absence of the protein due to nonsense mediated decay, which are commonly known mechanisms for disease. Truncations downstream of this position have been classified as pathogenic by our laboratory. The variant was absent in 251316 control chromosomes. To our knowledge, no occurrence of c.575G>A in individuals affected with Carnitine-Acylcarnitine Translocase Deficiency has been reported, however a different nucleotide change which creates the same amino acid change (p.W192X) was reported in HGMD in association with Carnitine-acylcarnitine translocase deficiency. No experimental evidence demonstrating its impact on protein function have been reported. No clinical diagnostic laboratories have submitted clinical-significance assessments for this variant to ClinVar after 2014. Based on the evidence outlined above, the variant was classified as likely pathogenic.

NM_000387.6(SLC25A20):c.575G>A (p.Trp192Ter)

Gene: SLC25A20 (solute carrier family 25 member 20; minus strand). Cytogenetic location: 3p21.31.
Variant type: single nucleotide variant.
Coding change: c.575G>A on transcript NM_000387.6 (MANE Select); coding-DNA position 575, G replaced by A.
Protein change: p.Trp192Ter; replaces tryptophan 192 with a stop codon.
Molecular consequence: nonsense.
Genome position (GRCh38, 1-based): chr3:48,859,588, C>T on the plus strand (G>A on the coding strand, the complement: SLC25A20 is on the minus strand). VCF-style: chr3-48859588-C-T. GRCh37 (hg19) VCF-style: chr3-48897021-C-T.
Other names: short protein forms W192*.
Identifiers: ClinVar variation 1878339 (VCV001878339.1), dbSNP rs2471005012, ClinGen allele CA352626905.